The following is an entry in ClinVar:

ClinVar aggregate classification (germline): Uncertain significance. Review status: criteria provided, multiple submitters, no conflicts (2 of 4 stars). 3 submissions from 3 submitters: Uncertain significance (3). Last evaluated 2025-06-24.

Conditions:
Inborn genetic diseases. Identifiers: MedGen C0950123, MeSH D030342.
Retinal arterial tortuosity. Also called: RETINAL HEMORRHAGE WITH VASCULAR TORTUOSITY; Retinal arteries, tortuosity of. Identifiers: Orphanet 75326, MedGen C0423401, MONDO:0008373, OMIM 180000, HP:0000631.
Autosomal dominant familial hematuria-retinal arteriolar tortuosity-contractures syndrome. Also called: Angiopathy, hereditary, with nephropathy, aneurysms, and muscle cramps; Hereditary Angiopathy with Nephropathy, Aneurysms, and Muscle Cramps (HANAC) Syndrome. Identifiers: Orphanet 73229, MedGen C2673195, MONDO:0012726, OMIM 611773.
Microangiopathy and leukoencephalopathy, pontine, autosomal dominant. Also called: DEMENTIA, HEREDITARY MULTI-INFARCT, SWEDISH TYPE; Pontine autosomal dominant microangiopathy with leukoencephalopathy. Identifiers: Orphanet 477749, MedGen C5231411, MONDO:0032814, OMIM 618564.
Brain small vessel disease 1 with or without ocular anomalies (BSVD1). Also called: BRAIN SMALL VESSEL DISEASE WITH HEMORRHAGE; PORENCEPHALY, TYPE 1, AUTOSOMAL DOMINANT; GOULD SYNDROME 1; Brain small vessel disease with or without ocular anomalies. Identifiers: Orphanet 2940, Orphanet 36383, Orphanet 99810, MedGen C4755307, MONDO:0008289, OMIM 175780.
Hemorrhage, intracerebral, susceptibility to (ICH). Also called: Stroke, hemorrhagic, susceptibility to. Identifiers: MedGen C3281105, MONDO:0100533, OMIM 614519.

Allele frequency attached by ClinVar (database versions not stated): ExAC 0.00002; gnomAD 0.00002; gnomAD exomes 0.00002; TOPMed 0.00002.
gnomAD v4.1: 34 of 1,613,844 alleles (0.0021%); highest among the groups gnomAD compares: South Asian, 0.0088%; no homozygotes.

Submissions (3):

Ambry Genetics
Classification: Uncertain significance for Inborn genetic diseases. Last evaluated: 2025-06-24. Review status: criteria provided, single submitter. Criteria: Ambry Variant Classification Scheme 2023. Collection method: clinical testing. Allele origin: germline.

Labcorp Genetics (formerly Invitae), Labcorp
Classification: Uncertain significance. Last evaluated: 2025-04-20. Review status: criteria provided, single submitter. Criteria: Invitae Variant Classification Sherloc (09022015). Collection method: clinical testing. Allele origin: germline.
Comment: This sequence change replaces proline, which is neutral and non-polar, with leucine, which is neutral and non-polar, at codon 1007 of the COL4A1 protein (p.Pro1007Leu). This variant is present in population databases (rs754815902, gnomAD 0.006%). This variant has not been reported in the literature in individuals affected with COL4A1-related conditions. ClinVar contains an entry for this variant (Variation ID: 2041563). Invitae Evidence Modeling of protein sequence and biophysical properties (such as structural, functional, and spatial information, amino acid conservation, physicochemical variation, residue mobility, and thermodynamic stability) indicates that this missense variant is not expected to disrupt COL4A1 protein function with a negative predictive value of 95%. In summary, the available evidence is currently insufficient to determine the role of this variant in disease. Therefore, it has been classified as a Variant of Uncertain Significance.

Fulgent Genetics
Classification: Uncertain significance for Brain small vessel disease 1 with or without ocular anomalies; Retinal arterial tortuosity; Autosomal dominant familial hematuria-retinal arteriolar tortuosity-contractures syndrome; Hemorrhage, intracerebral, susceptibility to; Microangiopathy and leukoencephalopathy, pontine, autosomal dominant. Last evaluated: 2024-01-30. Review status: criteria provided, single submitter. Criteria: ACMG Guidelines, 2015. Collection method: clinical testing. Allele origin: germline.

NM_001845.6(COL4A1):c.3020C>T (p.Pro1007Leu)

Gene: COL4A1 (collagen type IV alpha 1 chain; minus strand). Cytogenetic location: 13q34.
Variant type: single nucleotide variant.
Coding change: c.3020C>T on transcript NM_001845.6 (MANE Select); coding-DNA position 3020, C replaced by T.
Protein change: p.Pro1007Leu; replaces proline 1007 with leucine.
Molecular consequence: missense variant.
Genome position (GRCh38, 1-based): chr13:110,176,462, G>A on the plus strand (C>T on the coding strand, the complement: COL4A1 is on the minus strand). VCF-style: chr13-110176462-G-A. GRCh37 (hg19) VCF-style: chr13-110828809-G-A.
Other names: c.3020C>T (NM_001845.4); short protein forms P1007L.
Identifiers: ClinVar variation 2041563 (VCV002041563.5), dbSNP rs754815902, ClinGen allele CA7047408.